The following is an entry in ClinVar:

NM_001172509.2(SATB2):c.527G>T (p.Arg176Leu)

Gene: SATB2 (SATB homeobox 2; minus strand). Cytogenetic location: 2q33.1.
Variant type: single nucleotide variant.
Coding change: c.527G>T on transcript NM_001172509.2 (MANE Select); coding-DNA position 527, G replaced by T.
Protein change: p.Arg176Leu; replaces arginine 176 with leucine.
Molecular consequence: missense variant.
Genome position (GRCh38, 1-based): chr2:199,380,434, C>A on the plus strand (G>T on the coding strand, the complement: SATB2 is on the minus strand). VCF-style: chr2-199380434-C-A. GRCh37 (hg19) VCF-style: chr2-200245157-C-A.
Other names: c.527G>T, p.Arg176Leu (NM_001172517.1, NM_015265.4); short protein forms R176L.
Identifiers: ClinVar variation 4539897 (VCV004539897.1).

ClinVar aggregate classification (germline): Uncertain significance (1 of 4 stars; one submission).

Submission:

GeneDx
Classification: Uncertain significance. Last evaluated: 2025-06-26. Review status: criteria provided, single submitter. Criteria: GeneDx Variant Classification Process June 2021. Collection method: clinical testing. Allele origin: germline. Affected: yes.
Comment: In silico analysis supports that this missense variant has a deleterious effect on protein structure/function; Has not been previously published as pathogenic or benign to our knowledge